The following is an entry in ClinVar:

NM_002253.4(KDR):c.2312C>T (p.Thr771Met)

Gene: KDR (kinase insert domain receptor; minus strand). Cytogenetic location: 4q12.
Variant type: single nucleotide variant.
Coding change: c.2312C>T on transcript NM_002253.4 (MANE Select); coding-DNA position 2312, C replaced by T.
Protein change: p.Thr771Met; replaces threonine 771 with methionine.
Molecular consequence: missense variant.
Genome position (GRCh38, 1-based): chr4:55,098,758, G>A on the plus strand (C>T on the coding strand, the complement: KDR is on the minus strand). VCF-style: chr4-55098758-G-A. GRCh37 (hg19) VCF-style: chr4-55964925-G-A.
Other names: short protein forms T771M.
Identifiers: ClinVar variation 623416 (VCV000623416.32), dbSNP rs149745504, ClinGen allele CA2924458.
Genomic context (GRCh38, chr4:55,098,758, plus strand): 5'-CGCTTAACGGTCCGTAGGATGATGACAAGAAGTAGCCAGAAGAACATGGCAATCACCGCC[G>A]TGCCTACTAGAATAATGATTTCCAAGTTCGTCTTTTCCTGGGCACCTGGAAAGACACAAT-3'
Protein context (NP_002244.1, residues 761-781): TNLEIIILVG[Thr771Met]AVIAMFFWLL

ClinVar aggregate classification (germline): Likely benign. Review status: criteria provided, multiple submitters, no conflicts (2 of 4 stars). 5 submissions from 5 submitters: Likely benign (3). 2 of the submissions do not count toward it. Last evaluated 2023-10-01.

Conditions:
Tufted angioma of skin. Also called: Tufted angioma. Identifiers: Orphanet 1063, MedGen C0346073, MONDO:0011927, OMIM 607859, HP:0012329.
High myopia. Also called: Severe Myopia. Identifiers: MedGen C0271183, HP:0011003.
Capillary infantile hemangioma. Also called: Hemangioma, capillary infantile, somatic; Hereditary capillary infantile hemangioma; HEMANGIOMA, HEREDITARY CAPILLARY. Identifiers: MedGen C1865871, MONDO:0011191, OMIM 602089.

Allele frequency attached by ClinVar (database versions not stated): gnomAD exomes 0.00059 and 0.00116; 1000 Genomes Project 0.00100; 1000 Genomes Project 30x 0.00109; ExAC 0.00110; ESP Exome Variant Server 0.00169; gnomAD 0.00180 and 0.00198; TOPMed 0.00197.

Submissions (5):

CeGaT Center for Human Genetics Tuebingen
Classification: Likely benign. Last evaluated: 2023-10-01. Review status: criteria provided, single submitter. Criteria: CeGaT Center For Human Genetics Tuebingen Variant Classification Criteria Version 2. Collection method: clinical testing. Allele origin: germline. Affected: yes. Observed: 1 variant allele.
Comment: KDR: BS1

Department of Pathology and Laboratory Medicine, Sinai Health System
Classification: Likely benign for Capillary infantile hemangioma. Last evaluated: 2021-07-30. Review status: criteria provided, single submitter. Criteria: ACMG Guidelines, 2015. Collection method: research. Allele origin: germline.

Labcorp Genetics (formerly Invitae), Labcorp
Classification: Likely benign. Last evaluated: 2019-12-31. Review status: criteria provided, single submitter. Criteria: Invitae Variant Classification Sherloc (09022015). Collection method: clinical testing. Allele origin: germline.

Institute of Human Genetics, Polish Academy of Sciences
Classification: Uncertain significance for Severe Myopia. Last evaluated: 2018-12-17. Review status: no assertion criteria provided. Collection method: research. Allele origin: unknown. Affected: yes. Not counted in ClinVar's aggregate classification.

Yale Center for Mendelian Genomics, Yale University
Classification: Likely pathogenic for Tufted angioma of skin. Last evaluated: 2015-11-01. Review status: no assertion criteria provided. Collection method: literature only. Allele origin: somatic. Affected: yes. Observed: 1 heterozygote. Study: Yale Center for Mendelian Genomics. Not counted in ClinVar's aggregate classification.

Literature cited by the submitters: PubMed 26422291 (cited by Yale Center for Mendelian Genomics, Yale University).